The following is an entry in ClinVar:

NM_005419.4(STAT2):c.297G>C (p.Gln99His)

Gene: STAT2 (signal transducer and activator of transcription 2; minus strand). Cytogenetic location: 12q13.3.
Variant type: single nucleotide variant.
Coding change: c.297G>C on transcript NM_005419.4 (MANE Select); coding-DNA position 297, G replaced by C.
Protein change: p.Gln99His; replaces glutamine 99 with histidine.
Molecular consequence: missense variant. On other transcripts: splice acceptor variant (3).
Genome position (GRCh38, 1-based): chr12:56,355,792, C>G on the plus strand (G>C on the coding strand, the complement: STAT2 is on the minus strand). VCF-style: chr12-56355792-C-G. GRCh37 (hg19) VCF-style: chr12-56749576-C-G.
Other names: c.297G>C, p.Gln99His (NM_001385111.1, NM_001385113.1, NM_001385114.1); c.286-1G>C (NM_001385110.1, NM_001385115.1, NM_198332.2); short protein forms Q99H.
Identifiers: ClinVar variation 960304 (VCV000960304.6), dbSNP rs367793690, ClinGen allele CA6630902.
Genomic context (GRCh38, chr12:56,355,792, plus strand): 5'-CAAAATTCTTTTTTCTTCCAGAAGGAGGTTAAAGATCATCTCAGCCAACTGGGTAGGATC[C>G]TGGGAAAAGGGCTAGAATAGGTAAACAGAAAGGATTGATCCAATTCAACCACTCTCAATG-3'
Protein context (NP_005410.1, residues 89-109): KFCRDIQPFS[Gln99His]DPTQLAEMIF

ClinVar aggregate classification (germline): Uncertain significance (1 of 4 stars; one submission).

Conditions:
Primary immunodeficiency with post-measles-mumps-rubella vaccine viral infection. Also called: Immunodeficiency 44. Identifiers: Orphanet 431166, MedGen C4225260, MONDO:0014715, OMIM 616636.

Allele frequency attached by ClinVar (database versions not stated): gnomAD exomes 0.00001 and 0.00002; ExAC 0.00002; gnomAD 0.00003 and 0.00004; TOPMed 0.00007; ESP Exome Variant Server 0.00008.
gnomAD v4.1: 10 of 1,614,016 alleles (0.00062%); highest among the groups gnomAD compares: African/African-American, 0.011%; no homozygotes.

Submission:

Labcorp Genetics (formerly Invitae), Labcorp
Classification: Uncertain significance for Primary immunodeficiency with post-measles-mumps-rubella vaccine viral infection. Last evaluated: 2021-08-24. Review status: criteria provided, single submitter. Criteria: Invitae Variant Classification Sherloc (09022015). Collection method: clinical testing. Allele origin: germline.
Comment: This sequence change replaces glutamine with histidine at codon 99 of the STAT2 protein (p.Gln99His). The glutamine residue is weakly conserved and there is a small physicochemical difference between glutamine and histidine. This variant is present in population databases (rs367793690, ExAC 0.02%). This variant has not been reported in the literature in individuals affected with STAT2-related conditions. Algorithms developed to predict the effect of missense changes on protein structure and function are either unavailable or do not agree on the potential impact of this missense change (SIFT: "Tolerated"; PolyPhen-2: "Possibly Damaging"; Align-GVGD: "Class C0"). In summary, the available evidence is currently insufficient to determine the role of this variant in disease. Therefore, it has been classified as a Variant of Uncertain Significance.